The following is an entry in ClinVar:

ClinVar aggregate classification (germline): Pathogenic. Review status: criteria provided, multiple submitters, no conflicts (2 of 4 stars). 2 submissions from 2 submitters: Pathogenic (2). Last evaluated 2025-01-29.

Conditions:
Long QT syndrome (LQTS). Identifiers: MedGen C0023976, MeSH D008133, MONDO:0002442. Disease mechanism: loss of function. Inheritance: Various modes of inheritance.

Submissions (2):

Labcorp Genetics (formerly Invitae), Labcorp
Classification: Pathogenic for Long QT syndrome. Last evaluated: 2025-01-29. Review status: criteria provided, single submitter. Criteria: Invitae Variant Classification Sherloc (09022015). Collection method: clinical testing. Allele origin: germline.
Comment: This sequence change creates a premature translational stop signal (p.Gln220Alafs*65) in the KCNQ1 gene. It is expected to result in an absent or disrupted protein product. Loss-of-function variants in KCNQ1 are known to be pathogenic (PMID: 9323054, 19862833). This variant is not present in population databases (gnomAD no frequency). This variant has not been reported in the literature in individuals affected with KCNQ1-related conditions. ClinVar contains an entry for this variant (Variation ID: 449283). For these reasons, this variant has been classified as Pathogenic.

GeneDx
Classification: Pathogenic. Last evaluated: 2017-08-11. Review status: criteria provided, single submitter. Criteria: GeneDx Variant Classification (06012015). Collection method: clinical testing. Allele origin: germline. Affected: yes.
Comment: Although the c.657dupG pathogenic variant in the KCNQ1 gene has not been reported to our knowledge, this variant causes a shift in reading frame starting at codon Glutamine 220, changing it to an Alanine, and creating a premature stop codon at position 65 of the new reading frame, denoted p.Gln220AlafsX65. This pathogenic variant is expected to result in either an abnormal, truncated protein product or loss of protein from this allele through nonsense-mediated mRNA decay. Other frameshift variants in the KCNQ1 gene have been reported in HGMD in association with LQTS (Stenson et al., 2014). Furthermore, the c.657dupG variant was not observed in large population cohorts (Lek et al., 2016; 1000 Genomes Consortium et al., 2015; Exome Variant Server), indicating it is not a common benign variant.In summary, c.657dupG in the KCNQ1 gene is interpreted as pathogenic, as loss of function variants in this gene are strongly associated with this phenotype.

Literature cited by the submitters: PubMed 9323054 (cited by Labcorp Genetics (formerly Invitae), Labcorp); PubMed 19862833 (cited by Labcorp Genetics (formerly Invitae), Labcorp).

NM_000218.3(KCNQ1):c.657dup (p.Gln220fs)

Gene: KCNQ1 (potassium voltage-gated channel subfamily Q member 1; plus strand). Cytogenetic location: 11p15.5.
Variant type: Duplication.
Coding change: c.657dup on transcript NM_000218.3 (MANE Select); coding-DNA position 657, one base duplicated (G; older notation c.657dupG).
Protein change: p.Gln220fs; shifts the reading frame from glutamine 220.
Molecular consequence: frameshift variant.
Genome position (GRCh38, 1-based): chr11:2,571,377, G duplicated; the last of 4 consecutive G bases (chr11:2,571,374-2,571,377); duplicating any one gives the same sequence. VCF-style (leftmost placement, unchanged base first): chr11-2571373-A-AG. GRCh37 (hg19) VCF-style: chr11-2592603-A-AG.
Other names: c.657dupG (NM_000218.2); c.657dup, p.Gln220Alafs (NM_001406836.1); c.387dup, p.Gln130Alafs (NM_001406837.1); c.276dup, p.Gln93Alafs (NM_181798.2); short protein forms Q93fs, Q220fs.
Identifiers: ClinVar variation 449283 (VCV000449283.6), dbSNP rs1554892994, ClinGen allele CA658656104.